The following is an entry in ClinVar:

ClinVar aggregate classification (germline): Likely pathogenic (1 of 4 stars; one submission).

Conditions:
Cardiovascular phenotype. Identifiers: MedGen CN230736.

gnomAD v4.1: 1 of 1,614,180 alleles (0.000062%); highest among the groups gnomAD compares: South Asian, 0.0011%; no homozygotes.

Submission:

Ambry Genetics
Classification: Likely pathogenic for Cardiovascular phenotype. Last evaluated: 2019-11-26. Review status: criteria provided, single submitter. Criteria: Ambry Variant Classification Scheme 2023. Collection method: clinical testing. Allele origin: germline.
Comment: The p.E1730* variant (also known as c.5188G>T), located in coding exon 12 of the ALPK3 gene, results from a G to T substitution at nucleotide position 5188. This changes the amino acid from a glutamic acid to a stop codon within coding exon 12. This alteration is expected to result in loss of function by premature protein truncation or nonsense-mediated mRNA decay. Based on the majority of available evidence to date, this variant is likely to be pathogenic.

NM_020778.5(ALPK3):c.4582G>T (p.Glu1528Ter)

Gene: ALPK3 (alpha kinase 3; plus strand). Cytogenetic location: 15q25.3.
Variant type: single nucleotide variant.
Coding change: c.4582G>T on transcript NM_020778.5 (MANE Select); coding-DNA position 4582, G replaced by T.
Protein change: p.Glu1528Ter; replaces glutamic acid 1528 with a stop codon.
Molecular consequence: nonsense.
Genome position (GRCh38, 1-based): chr15:84,864,524, G>T. VCF-style: chr15-84864524-G-T. GRCh37 (hg19) VCF-style: chr15-85407755-G-T.
Other names: short protein forms E1528*.
Identifiers: ClinVar variation 1745893 (VCV001745893.2), dbSNP rs1380478280, ClinGen allele CA393364970.